The following is an entry in ClinVar:

NM_002109.6(HARS1):c.174C>G (p.Thr58=)

Gene: HARS1 (histidyl-tRNA synthetase 1; minus strand). Cytogenetic location: 5q31.3.
Variant type: single nucleotide variant.
Coding change: c.174C>G on transcript NM_002109.6 (MANE Select); coding-DNA position 174, C replaced by G.
Protein change: p.Thr58=; no amino-acid change (threonine 58 retained).
Molecular consequence: synonymous variant.
Genome position (GRCh38, 1-based): chr5:140,690,861, G>C on the plus strand (C>G on the coding strand, the complement: HARS1 is on the minus strand). VCF-style: chr5-140690861-G-C. GRCh37 (hg19) VCF-style: chr5-140070446-G-C.
Other names: c.174C>G, p.Thr58= (NM_001258040.3, NM_001258041.3, NM_001258042.3 and 2 more transcripts); c.87C>G, p.Thr29= (NM_001289094.2).
Identifiers: ClinVar variation 1108485 (VCV001108485.13), dbSNP rs761695061, ClinGen allele CA446622091.

ClinVar aggregate classification (germline): Likely benign. Review status: criteria provided, multiple submitters, no conflicts (2 of 4 stars). 2 submissions from 2 submitters: Likely benign (2). Last evaluated 2021-11-26.

Conditions:
Usher syndrome type 3B. Also called: USHER SYNDROME, TYPE IIIB. Identifiers: MedGen C3281066, MONDO:0013788, OMIM 614504.

Submissions (2):

Labcorp Genetics (formerly Invitae), Labcorp
Classification: Likely benign for Usher syndrome type 3B. Last evaluated: 2021-11-26. Review status: criteria provided, single submitter. Criteria: Invitae Variant Classification Sherloc (09022015). Collection method: clinical testing. Allele origin: germline.

Laboratory for Molecular Medicine, Mass General Brigham Personalized Medicine
Classification: Likely benign. Last evaluated: 2020-08-13. Review status: criteria provided, single submitter. Criteria: LMM Criteria. Collection method: clinical testing. Allele origin: germline. Observed: 1 variant allele.
Comment: The p.Thr58Thr variant in HARS is classified as likely benign because it does not alter an amino acid residue, it is not located within the splice consensus sequence, and splice prediction algorithms do not predict a newly created splice site. ACMG/AMP Criteria applied: BP4, BP7.